The following is an entry in ClinVar:

NM_004082.5(DCTN1):c.3601_3603del (p.Lys1201del)

Gene: DCTN1 (dynactin subunit 1; minus strand). Cytogenetic location: 2p13.1.
Variant type: Deletion.
Coding change: c.3601_3603del on transcript NM_004082.5 (MANE Select); coding-DNA positions 3601 to 3603, 3 bases deleted (AAG; older notation c.3601_3603delAAG).
Protein change: p.Lys1201del; deletes lysine 1201.
Molecular consequence: non-coding transcript variant (on NR_033935.2).
Genome position (GRCh38, 1-based): chr2:74,362,656-74,362,658, CTT deleted on the plus strand (AAG on the coding strand, the reverse complement: DCTN1 is on the minus strand); deleting any 3 consecutive bases within chr2:74,362,656-74,362,660 gives the same sequence; the c. name uses the placement nearest the transcript's 3' end. VCF-style (leftmost placement, unchanged base first): chr2-74362655-GCTT-G. GRCh37 (hg19) VCF-style: chr2-74589782-GCTT-G.
Other names: c.3526_3528del, p.Lys1176del (NM_001135040.3); c.3184_3186del, p.Lys1062del (NM_001135041.3); c.3475_3477del, p.Lys1159del (NM_001190836.2); c.3580_3582del, p.Lys1194del (NM_001190837.2); c.3550_3552del, p.Lys1184del (NM_001378991.1); c.3532_3534del, p.Lys1178del (NM_001378992.1); c.3199_3201del, p.Lys1067del (NM_023019.4); short protein forms K1194del, K1062del, K1178del, K1067del, K1184del, K1201del, K1159del, K1176del.
Identifiers: ClinVar variation 4786471 (VCV004786471.1).
Genomic context (GRCh38, chr2:74,362,655, plus strand): 5'-CTGGCTCCACCAGTTTATGCTGTGAAGTGAGCTCTGCCTGGCAAACTGAGCTGACCTTGA[GCTT>G]CTCGACGGTGTCACTCAGGGACTTAAGCTGAGCCACTTGCTCCATAAGTTGGGCCGACGG-3'

ClinVar aggregate classification (germline): Uncertain significance (1 of 4 stars; one submission).

Conditions:
Amyotrophic lateral sclerosis type 1 (ALS1). Also called: AMYOTROPHIC LATERAL SCLEROSIS 1, FAMILIAL. Identifiers: Orphanet 803, MedGen C1862939, MONDO:0007103, OMIM 105400.
Neuronopathy, distal hereditary motor, type 7B. Also called: HMN VIIB; LOWER MOTOR NEURON DISEASE, DYNACTIN TYPE; NEURONOPATHY, DISTAL HEREDITARY MOTOR, AUTOSOMAL DOMINANT 14; NEURONOPATHY, DISTAL HEREDITARY MOTOR, HARDING TYPE VIIB; NEUROPATHY, DISTAL HEREDITARY MOTOR, HARDING TYPE VIIB; NEUROPATHY, DISTAL HEREDITARY MOTOR, WITH VOCAL CORD PARALYSIS, HARDING TYPE VIIB. Identifiers: Orphanet 139589, MedGen C1843315, MONDO:0011879, OMIM 607641.
Perry syndrome. Also called: PARKINSONISM WITH ALVEOLAR HYPOVENTILATION AND MENTAL DEPRESSION. Identifiers: Orphanet 178509, MedGen C1868594, MONDO:0008201, OMIM 168605.

Submission:

Labcorp Genetics (formerly Invitae), Labcorp
Classification: Uncertain significance for Amyotrophic lateral sclerosis type 1; Neuronopathy, distal hereditary motor, type 7B; Perry syndrome. Last evaluated: 2025-10-19. Review status: criteria provided, single submitter. Criteria: Invitae Variant Classification Sherloc (09022015). Collection method: clinical testing. Allele origin: germline.
Comment: This variant, c.3601_3603del, results in the deletion of 1 amino acid(s) of the DCTN1 protein (p.Lys1201del), but otherwise preserves the integrity of the reading frame. This variant is not present in population databases (gnomAD no frequency). This variant has not been reported in the literature in individuals affected with DCTN1-related conditions. In summary, the available evidence is currently insufficient to determine the role of this variant in disease. Therefore, it has been classified as a Variant of Uncertain Significance.